The following is an entry in ClinVar:

NM_024809.5(TCTN2):c.25C>T (p.Leu9Phe)

Gene: TCTN2 (tectonic family member 2; plus strand). Cytogenetic location: 12q24.31.
Variant type: single nucleotide variant.
Coding change: c.25C>T on transcript NM_024809.5 (MANE Select); coding-DNA position 25, C replaced by T.
Protein change: p.Leu9Phe; replaces leucine 9 with phenylalanine.
Molecular consequence: missense variant.
Genome position (GRCh38, 1-based): chr12:123,671,265, C>T. VCF-style: chr12-123671265-C-T. GRCh37 (hg19) VCF-style: chr12-124155812-C-T.
Other names: c.25C>T, p.Leu9Phe (NM_001143850.3, NM_001410989.1); short protein forms L9F.
Identifiers: ClinVar variation 1899076 (VCV001899076.3), dbSNP rs2541745650, ClinGen allele CA387154832.

ClinVar aggregate classification (germline): Uncertain significance (1 of 4 stars; one submission).

Conditions:
Meckel-Gruber syndrome. Also called: DYSENCEPHALIA SPLANCHNOCYSTICA; GRUBER SYNDROME; Dysencephalia splachnocystica. Identifiers: Orphanet 564, MedGen C0265215, MONDO:0018921.
Joubert syndrome. Also called: CEREBELLOPARENCHYMAL DISORDER IV; JOUBERT-BOLTSHAUSER SYNDROME; Familial aplasia of the vermis. Identifiers: Orphanet 475, MedGen C5979921, MONDO:0018772.

Submission:

Labcorp Genetics (formerly Invitae), Labcorp
Classification: Uncertain significance for Joubert syndrome; Meckel-Gruber syndrome. Last evaluated: 2022-08-15. Review status: criteria provided, single submitter. Criteria: Invitae Variant Classification Sherloc (09022015). Collection method: clinical testing. Allele origin: germline.
Comment: This variant has not been reported in the literature in individuals affected with TCTN2-related conditions. This variant is not present in population databases (gnomAD no frequency). This sequence change replaces leucine, which is neutral and non-polar, with phenylalanine, which is neutral and non-polar, at codon 9 of the TCTN2 protein (p.Leu9Phe). Algorithms developed to predict the effect of missense changes on protein structure and function output the following: SIFT: "Tolerated"; PolyPhen-2: "Not Available"; Align-GVGD: "Class C0". The phenylalanine amino acid residue is found in multiple mammalian species, which suggests that this missense change does not adversely affect protein function. In summary, the available evidence is currently insufficient to determine the role of this variant in disease. Therefore, it has been classified as a Variant of Uncertain Significance.